The following is an entry in ClinVar:

NM_201596.3(CACNB2):c.1591C>T (p.Arg531Cys)

Gene: CACNB2 (calcium voltage-gated channel auxiliary subunit beta 2; plus strand). Cytogenetic location: 10p12.31.
Variant type: single nucleotide variant.
Coding change: c.1591C>T on transcript NM_201596.3 (MANE Select); coding-DNA position 1591, C replaced by T.
Protein change: p.Arg531Cys; replaces arginine 531 with cysteine.
Molecular consequence: missense variant.
Genome position (GRCh38, 1-based): chr10:18,539,332, C>T. VCF-style: chr10-18539332-C-T. GRCh37 (hg19) VCF-style: chr10-18828261-C-T.
Other names: c.1426C>T, p.Arg476Cys (NM_000724.4); c.1393C>T, p.Arg465Cys (NM_001167945.2); c.1312C>T, p.Arg438Cys (NM_001330060.2); c.1447C>T, p.Arg483Cys (NM_201570.3); c.1507C>T, p.Arg503Cys (NM_201571.4); c.1435C>T, p.Arg479Cys (NM_201572.4); c.1429C>T, p.Arg477Cys (NM_201590.3); c.1477C>T, p.Arg493Cys (NM_201593.3); and 1 more; short protein forms R476C, R477C, R531C, R479C, R438C, R465C, R483C, R503C.
Identifiers: ClinVar variation 375853 (VCV000375853.21), dbSNP rs202152674, ClinGen allele CA5430104.

ClinVar aggregate classification (germline): Conflicting classifications of pathogenicity. Review status: criteria provided, conflicting classifications (1 of 4 stars). 6 submissions from 6 submitters: Uncertain significance (2); Likely benign (4). Last evaluated 2025-11-22.

Conditions:
CACNB2-related disorder. Also called: CACNB2-related condition.
Brugada syndrome 4 (BRGDA4). Identifiers: Orphanet 130, MedGen C2678477, MONDO:0012743, OMIM 611876.
Cardiovascular phenotype. Identifiers: MedGen CN230736.
Brugada syndrome. Also called: Sudden unexplained nocturnal death syndrome; Sudden unexpected nocturnal death syndrome; Sudden Unexplained Death Syndrome; Sudden Unexplained Nocturnal Death Syndrome (SUNDS). Identifiers: Orphanet 130, MedGen C1142166, MONDO:0015263.

Allele frequency attached by ClinVar (database versions not stated): ESP Exome Variant Server 0.00008; TOPMed 0.00011; 1000 Genomes Project 30x 0.00016; gnomAD 0.00019; 1000 Genomes Project 0.00020; ExAC 0.00025.
gnomAD v4.1: 116 of 1,614,106 alleles (0.0072%); highest among the groups gnomAD compares: Middle Eastern, 0.066%; no homozygotes.

Submissions (6):

Labcorp Genetics (formerly Invitae), Labcorp
Classification: Likely benign for Brugada syndrome 4. Last evaluated: 2025-11-22. Review status: criteria provided, single submitter. Criteria: Invitae Variant Classification Sherloc (09022015). Collection method: clinical testing. Allele origin: germline.

PreventionGenetics, part of Exact Sciences
Classification: Likely benign for CACNB2-related condition. Last evaluated: 2025-05-19. Review status: criteria provided, single submitter. Criteria: ACMG Guidelines, 2015. Collection method: clinical testing. Allele origin: germline.
Comment: This variant is classified as likely benign based on ACMG/AMP sequence variant interpretation guidelines (Richards et al. 2015 PMID: 25741868, with internal and published modifications).

Blueprint Genetics
Classification: Likely benign. Last evaluated: 2024-09-19. Review status: criteria provided, single submitter. Criteria: ACMG Guidelines, 2015. Collection method: clinical testing. Allele origin: germline.

GeneDx
Classification: Uncertain significance. Last evaluated: 2024-07-29. Review status: criteria provided, single submitter. Criteria: GeneDx Variant Classification Process June 2021. Collection method: clinical testing. Allele origin: germline. Affected: yes.
Comment: Identified in patients with Type 1 diabetes and proliferative diabetic retinopathy (PDR) in published literature (PMID: 31439644); In silico analysis supports that this missense variant does not alter protein structure/function; Also known as p.(R476C); Variants in candidate genes are classified as variants of uncertain significance in accordance with ACMG guidelines (PMID: 25741868); This variant is associated with the following publications: (PMID: 31439644, 25741868)

Ambry Genetics
Classification: Likely benign for Cardiovascular phenotype. Last evaluated: 2022-05-27. Review status: criteria provided, single submitter. Criteria: Ambry Variant Classification Scheme 2023. Collection method: clinical testing. Allele origin: germline.

CSER _CC_NCGL, University of Washington
Classification: Uncertain significance for Brugada syndrome. Last evaluated: 2016-10-01. Review status: criteria provided, single submitter. Criteria: Amendola et al. (Genome Res. 2015). Collection method: research. Allele origin: germline. Affected: no. Study: CSER - NEXT Medicine variant annotation.
Comment: This interpretation considers GERP score and allele frequency data, in addition to published reports of the variant in the literature, available at the time of review.